The following is an entry in ClinVar:

ClinVar aggregate classification (germline): Pathogenic/Likely pathogenic. Review status: criteria provided, multiple submitters, no conflicts (2 of 4 stars). 2 submissions from 2 submitters: Pathogenic (1); Likely pathogenic (1). Last evaluated 2024-10-07.

Conditions:
Retinitis pigmentosa 25 (RP25). Identifiers: Orphanet 791, MedGen C1864446, MONDO:0011272, OMIM 602772.

Submissions (2):

Labcorp Genetics (formerly Invitae), Labcorp
Classification: Pathogenic. Last evaluated: 2024-10-07. Review status: criteria provided, single submitter. Criteria: Invitae Variant Classification Sherloc (09022015). Collection method: clinical testing. Allele origin: germline.
Comment: This sequence change creates a premature translational stop signal (p.Asn1049Ilefs*41) in the EYS gene. It is expected to result in an absent or disrupted protein product. Loss-of-function variants in EYS are known to be pathogenic (PMID: 18836446, 20333770). This variant is not present in population databases (gnomAD no frequency). This variant has not been reported in the literature in individuals affected with EYS-related conditions. ClinVar contains an entry for this variant (Variation ID: 2097477). For these reasons, this variant has been classified as Pathogenic.

Baylor Genetics
Classification: Likely pathogenic for Retinitis pigmentosa 25. Last evaluated: 2024-03-30. Review status: criteria provided, single submitter. Criteria: ACMG Guidelines, 2015. Collection method: clinical testing. Allele origin: unknown.

Literature cited by the submitters: PubMed 18836446 (cited by Labcorp Genetics (formerly Invitae), Labcorp); PubMed 20333770 (cited by Labcorp Genetics (formerly Invitae), Labcorp).

NM_001142800.2(EYS):c.3146del (p.Asn1049fs)

Gene: EYS (EGF-like photoreceptor maintenance factor; minus strand). Cytogenetic location: 6q12.
Variant type: Deletion.
Coding change: c.3146del on transcript NM_001142800.2 (MANE Select); coding-DNA position 3146, one base deleted (A; older notation c.3146delA).
Protein change: p.Asn1049fs; shifts the reading frame from asparagine 1049.
Molecular consequence: frameshift variant.
Genome position (GRCh38, 1-based): chr6:64,822,669, T deleted on the plus strand (A on the coding strand, the reverse complement: EYS is on the minus strand); the first of 3 consecutive T bases (chr6:64,822,669-64,822,671); deleting any one gives the same sequence. VCF-style (leftmost placement, unchanged base first): chr6-64822668-AT-A. GRCh37 (hg19) VCF-style: chr6-65532561-AT-A.
Other names: c.3146del, p.Asn1049fs (NM_001292009.2); short protein forms N1049fs.
Identifiers: ClinVar variation 2097477 (VCV002097477.5), dbSNP rs2533168787, ClinGen allele CA2580075669.